The following is an entry in ClinVar:

ClinVar aggregate classification (germline): Conflicting classifications of pathogenicity. Review status: criteria provided, conflicting classifications (1 of 4 stars). 4 submissions from 4 submitters: Uncertain significance (2); Likely benign (1). 1 of the submissions does not count toward it. Last evaluated 2024-12-23.

Conditions:
Bloom syndrome (BLM). Also called: Bloom-Torre-Machacek syndrome. Identifiers: Orphanet 125, MedGen C0005859, MONDO:0008876, OMIM 210900.
Hereditary cancer-predisposing syndrome. Also called: Tumor predisposition; Hereditary neoplastic syndrome; Hereditary Cancer Syndrome; Neoplastic Syndromes, Hereditary. Identifiers: Orphanet 140162, MedGen C0027672, MeSH D009386, MONDO:0015356.
Hereditary breast ovarian cancer syndrome. Also called: Hereditary breast and ovarian cancer; Breast and ovarian cancer; Hereditary breast and ovarian cancer syndrome; BRCA1- and BRCA2-Associated Hereditary Breast and Ovarian Cancer; Hereditary breast and/or ovarian cancer syndrome; Hereditary breast and ovarian cancer syndrome (HBOC). Identifiers: Orphanet 145, MedGen C0677776, MeSH D061325, MONDO:0003582. Disease mechanism: loss of function.

Allele frequency attached by ClinVar (database versions not stated): TOPMed below 0.00001; gnomAD 0.00001; gnomAD exomes 0.00001.
gnomAD v4.1: 16 of 1,607,600 alleles (0.001%); highest among the groups gnomAD compares: East Asian, 0.029%; no homozygotes.

Submissions (4):

Labcorp Genetics (formerly Invitae), Labcorp
Classification: Uncertain significance for Bloom syndrome. Last evaluated: 2024-12-23. Review status: criteria provided, single submitter. Criteria: Invitae Variant Classification Sherloc (09022015). Collection method: clinical testing. Allele origin: germline.
Comment: This sequence change replaces asparagine, which is neutral and polar, with serine, which is neutral and polar, at codon 46 of the BLM protein (p.Asn46Ser). This variant is not present in population databases (gnomAD no frequency). This variant has not been reported in the literature in individuals affected with BLM-related conditions. ClinVar contains an entry for this variant (Variation ID: 577210). An algorithm developed to predict the effect of missense changes on protein structure and function outputs the following: PolyPhen-2: "Benign". The serine amino acid residue is found in multiple mammalian species, which suggests that this missense change does not adversely affect protein function. In summary, the available evidence is currently insufficient to determine the role of this variant in disease. Therefore, it has been classified as a Variant of Uncertain Significance.

Ambry Genetics
Classification: Likely benign for Hereditary cancer-predisposing syndrome. Last evaluated: 2024-01-05. Review status: criteria provided, single submitter. Criteria: Ambry Variant Classification Scheme 2023. Collection method: clinical testing. Allele origin: germline.

Cancer Genomics Group, Japanese Foundation For Cancer Research
Classification: Uncertain significance for Hereditary breast and ovarian cancer syndrome. Last evaluated: 2019-05-01. Review status: criteria provided, single submitter. Criteria: ACMG Guidelines, 2015. Collection method: research. Allele origin: germline. Affected: yes.

Natera, Inc.
Classification: Uncertain significance for Bloom syndrome. Last evaluated: 2018-05-04. Review status: no assertion criteria provided. Collection method: clinical testing. Allele origin: germline. Not counted in ClinVar's aggregate classification.

NM_000057.4(BLM):c.137A>G (p.Asn46Ser)

Gene: BLM (BLM RecQ like helicase; plus strand). Cytogenetic location: 15q26.1.
Variant type: single nucleotide variant.
Coding change: c.137A>G on transcript NM_000057.4 (MANE Select); coding-DNA position 137, A replaced by G.
Protein change: p.Asn46Ser; replaces asparagine 46 with serine.
Molecular consequence: missense variant. On other transcripts: 5 prime UTR variant (1).
Genome position (GRCh38, 1-based): chr15:90,749,405, A>G. VCF-style: chr15-90749405-A-G. GRCh37 (hg19) VCF-style: chr15-91292635-A-G.
Other names: c.137A>G, p.Asn46Ser (NM_001287246.2, NM_001287247.2); c.-1155A>G (NM_001287248.2); c.137A>G (NM_000057.2); short protein forms N46S.
Identifiers: ClinVar variation 577210 (VCV000577210.16), dbSNP rs1237910576, ClinGen allele CA393839432.